The following is an entry in ClinVar:

NM_020442.6(VARS2):c.182A>C (p.Glu61Ala)

Gene: VARS2 (valyl-tRNA synthetase 2, mitochondrial; plus strand). Cytogenetic location: 6p21.33.
Variant type: single nucleotide variant.
Coding change: c.182A>C on transcript NM_020442.6 (MANE Select); coding-DNA position 182, A replaced by C.
Protein change: p.Glu61Ala; replaces glutamic acid 61 with alanine.
Molecular consequence: missense variant. On other transcripts: intron variant (1).
Genome position (GRCh38, 1-based): chr6:30,915,018, A>C. VCF-style: chr6-30915018-A-C. GRCh37 (hg19) VCF-style: chr6-30882795-A-C.
Other names: c.272A>C, p.Glu91Ala (NM_001167734.2); c.-219-138A>C (NM_001167733.3); short protein forms E61A, E91A.
Identifiers: ClinVar variation 2189480 (VCV002189480.3), dbSNP rs770294709, ClinGen allele CA3705511.
Genomic context (GRCh38, chr6:30,915,018, plus strand): 5'-GGAGGAACCGTGAAGCCAAACAGAAGCGCCTGCGAGAGAAGCAGGCGACTCTGGAGGCTG[A>C]GATAGCAGGGGAGAGCAAGGTTAGGGGTCAGACAGCTTGTCCTTGGGTTTCTGAGACTTG-3'
Protein context (NP_065175.4, residues 51-71): LREKQATLEA[Glu61Ala]IAGESKSPAE

ClinVar aggregate classification (germline): Uncertain significance (1 of 4 stars; one submission).

Allele frequency attached by ClinVar (database versions not stated): ExAC 0.00002; gnomAD exomes 0.00002; TOPMed 0.00002; gnomAD 0.00003.
gnomAD v4.1: 28 of 1,613,504 alleles (0.0017%); highest among the groups gnomAD compares: Non-Finnish European, 0.0024%; no homozygotes.

Submission:

Labcorp Genetics (formerly Invitae), Labcorp
Classification: Uncertain significance. Last evaluated: 2026-01-26. Review status: criteria provided, single submitter. Criteria: Invitae Variant Classification Sherloc (09022015). Collection method: clinical testing. Allele origin: germline.
Comment: This sequence change replaces glutamic acid, which is acidic and polar, with alanine, which is neutral and non-polar, at codon 91 of the VARS2 protein (p.Glu91Ala). This variant is present in population databases (rs770294709, gnomAD 0.007%). This variant has not been reported in the literature in individuals affected with VARS2-related conditions. ClinVar contains an entry for this variant (Variation ID: 2189480). An algorithm developed to predict the effect of missense changes on protein structure and function (PolyPhen-2) suggests that this variant is likely to be tolerated. In summary, the available evidence is currently insufficient to determine the role of this variant in disease. Therefore, it has been classified as a Variant of Uncertain Significance.